The following is an entry in ClinVar:

ClinVar aggregate classification (germline): Uncertain significance. Review status: criteria provided, multiple submitters, no conflicts (2 of 4 stars). 3 submissions from 3 submitters: Uncertain significance (3). Last evaluated 2024-12-10.

Conditions:
Inborn genetic diseases. Identifiers: MedGen C0950123, MeSH D030342.
CEP78-related disorder. Also called: CEP78-related condition.

Submissions (3):

PreventionGenetics, part of Exact Sciences
Classification: Uncertain significance for CEP78-related condition. Last evaluated: 2024-12-10. Review status: criteria provided, single submitter. Criteria: ACMG Guidelines, 2015. Collection method: clinical testing. Allele origin: germline.
Comment: The CEP78 c.613A>C variant is predicted to result in the amino acid substitution p.Met205Leu. To our knowledge, this variant has not been reported in the literature or in a large population database (gnomAD), indicating this variant is rare. At this time, the clinical significance of this variant is uncertain due to the absence of conclusive functional and genetic evidence.

Ambry Genetics
Classification: Uncertain significance for Inborn genetic diseases. Last evaluated: 2024-02-17. Review status: criteria provided, single submitter. Criteria: Ambry Variant Classification Scheme 2023. Collection method: clinical testing. Allele origin: germline.

Labcorp Genetics (formerly Invitae), Labcorp
Classification: Uncertain significance. Last evaluated: 2022-06-13. Review status: criteria provided, single submitter. Criteria: Invitae Variant Classification Sherloc (09022015). Collection method: clinical testing. Allele origin: germline.
Comment: In summary, the available evidence is currently insufficient to determine the role of this variant in disease. Therefore, it has been classified as a Variant of Uncertain Significance. Algorithms developed to predict the effect of missense changes on protein structure and function (SIFT, PolyPhen-2, Align-GVGD) all suggest that this variant is likely to be tolerated. This variant has not been reported in the literature in individuals affected with CEP78-related conditions. This variant is not present in population databases (gnomAD no frequency). This sequence change replaces methionine, which is neutral and non-polar, with leucine, which is neutral and non-polar, at codon 205 of the CEP78 protein (p.Met205Leu).

NM_001330691.3(CEP78):c.613A>C (p.Met205Leu)

Gene: CEP78 (centrosomal protein 78; plus strand). Cytogenetic location: 9q21.2.
Variant type: single nucleotide variant.
Coding change: c.613A>C on transcript NM_001330691.3 (MANE Select); coding-DNA position 613, A replaced by C.
Protein change: p.Met205Leu; replaces methionine 205 with leucine.
Molecular consequence: missense variant.
Genome position (GRCh38, 1-based): chr9:78,243,471, A>C. VCF-style: chr9-78243471-A-C. GRCh37 (hg19) VCF-style: chr9-80858387-A-C.
Other names: c.613A>C, p.Met205Leu (NM_001098802.3, NM_001330693.3, NM_001330694.2 and 4 more transcripts); c.613A>C (NM_001098802.1); short protein forms M205L.
Identifiers: ClinVar variation 1366005 (VCV001366005.6), dbSNP rs199972008, ClinGen allele CA194769762.
Genomic context (GRCh38, chr9:78,243,471, plus strand): 5'-TCCTATCTCTTTATCCAAGTGTATTAATTTCATCTTATTAAATCTTTGAAGTATCAGACC[A>C]TGAGAAGGCATGAAGAAACCTGGGCTGAGAGTCTTCGCTATAGGAGACCTGATCTTGACT-3'
Protein context (NP_001317620.1, residues 195-215): HMAKILKYQT[Met205Leu]RRHEETWAES